The following is an entry in ClinVar:

NM_052947.4(ALPK2):c.349C>G (p.Leu117Val)

Gene: ALPK2 (alpha kinase 2; minus strand). Cytogenetic location: 18q21.31.
Variant type: single nucleotide variant.
Coding change: c.349C>G on transcript NM_052947.4 (MANE Select); coding-DNA position 349, C replaced by G.
Protein change: p.Leu117Val; replaces leucine 117 with valine.
Molecular consequence: missense variant.
Genome position (GRCh38, 1-based): chr18:58,580,427, G>C on the plus strand (C>G on the coding strand, the complement: ALPK2 is on the minus strand). VCF-style: chr18-58580427-G-C. GRCh37 (hg19) VCF-style: chr18-56247659-G-C.
Other names: short protein forms L117V.
Identifiers: ClinVar variation 3228693 (VCV003228693.1), dbSNP rs767262429, ClinGen allele CA402568179.

ClinVar aggregate classification (germline): Uncertain significance (1 of 4 stars; one submission).

Allele frequency attached by ClinVar (database versions not stated): gnomAD exomes below 0.00001.
gnomAD v4.1: 1 of 1,614,138 alleles (0.000062%); highest among the groups gnomAD compares: South Asian, 0.0011%; no homozygotes.

Submission:

Ambry Genetics
Classification: Uncertain significance. Last evaluated: 2024-02-09. Review status: criteria provided, single submitter. Criteria: Ambry Variant Classification Scheme 2023. Collection method: clinical testing. Allele origin: germline.
Comment: The p.L117V variant (also known as c.349C>G), located in coding exon 3 of the ALPK2 gene, results from a C to G substitution at nucleotide position 349. The leucine at codon 117 is replaced by valine, an amino acid with highly similar properties. This amino acid position is conserved. In addition, this alteration is predicted to be tolerated by in silico analysis. Based on the available evidence, the clinical significance of this alteration remains unclear.